The following is an entry in ClinVar:

ClinVar aggregate classification (germline): Likely pathogenic. Review status: criteria provided, single submitter (1 of 4 stars). 2 submissions from 1 submitter: Likely pathogenic (2). Last evaluated 2017-10-27.

Conditions:
Rubinstein-Taybi syndrome (RSTS). Identifiers: Orphanet 783, MedGen C0035934, MONDO:0019188.
Rubinstein-Taybi syndrome due to CREBBP mutations (RSTS1). Also called: RUBINSTEIN SYNDROME; BROAD THUMBS AND GREAT TOES, CHARACTERISTIC FACIES, AND IMPAIRED INTELLECTUAL DEVELOPMENT; RUBINSTEIN-TAYBI SYNDROME 1, INCOMPLETE; Rubinstein-Taybi syndrome 1; BROAD THUMB-HALLUX SYNDROME; CREBBP-Related Rubinstein-Taybi Syndrome. Identifiers: Orphanet 353277, Orphanet 783, MedGen C4551859, MONDO:0008393, OMIM 180849.

Submissions (2):

Labcorp Genetics (formerly Invitae), Labcorp
Classification: Likely pathogenic for Rubinstein-Taybi syndrome. Last evaluated: 2017-10-27. Review status: criteria provided, single submitter. Criteria: Invitae Variant Classification Sherloc (09022015). Collection method: clinical testing. Allele origin: germline.
Comment: This variant is an in-frame deletion of the genomic region encompassing exons 17-23 of the CREBBP gene. It preserves the integrity of the reading frame. Deletion of exon 17-23 has not been reported in the literature in individuals with CREBBP-related disease. This deletion removes the histone acetyltransferase domain/plant homeodomain-type zinc finger domain of the CREBBP protein, which is encoded by residues 1237 through 1311 (PMID: 8967953, 12566391). Deletion of this domain has been shown to result in loss of acetyltransferase activity, suggesting that it is critical for CREBBP protein function and that a deletion encompassing it may also be pathogenic (PMID: 12566391). In summary, the currently available evidence indicates that the variant is pathogenic, but additional data are needed to prove that conclusively. Therefore, this variant has been classified as Likely Pathogenic.

Labcorp Genetics (formerly Invitae), Labcorp
Classification: Likely pathogenic for Rubinstein-Taybi syndrome. Last evaluated: 2017-10-17. Review status: criteria provided, single submitter. Criteria: Invitae Variant Classification Sherloc (09022015). Collection method: clinical testing. Allele origin: germline.
Comment: This deletion removes the histone acetyltransferase domain/plant homeodomain-type zinc finger domain of the CREBBP protein, which is encoded by residues 1237 through 1311 (PMID: 8967953, 12566391). Deletion of this domain has been shown to result in loss of acetyltransferase activity, suggesting that it is critical for CREBBP protein function and that a deletion encompassing it may also be pathogenic (PMID: 12566391). Deletion of exon 17-23 has not been reported in the literature in individuals with CREBBP-related disease. In summary, the currently available evidence indicates that the variant is pathogenic, but additional data are needed to prove that conclusively. Therefore, this variant has been classified as Likely Pathogenic. This variant is an in-frame deletion of the genomic region encompassing exons 17-23 of the CREBBP gene. It preserves the integrity of the reading frame.

Literature cited by the submitters: PubMed 12566391; PubMed 8967953.

NC_000016.10:g.(?_3744874)_(3758992_?)del

Gene: CREBBP (CREB binding lysine acetyltransferase; minus strand). Cytogenetic location: 16p13.3.
Variant type: Deletion.
Identifiers: ClinVar variation 527968 (VCV000527968.8).